The following is an entry in ClinVar:

ClinVar aggregate classification (germline): Uncertain significance (1 of 4 stars; one submission).

Conditions:
Fanconi anemia (FA). Also called: Fanconi's anemia. Identifiers: Orphanet 84, MedGen C0015625, MeSH D005199, MONDO:0019391.

Submission:

Labcorp Genetics (formerly Invitae), Labcorp
Classification: Uncertain significance for Fanconi anemia. Last evaluated: 2024-08-20. Review status: criteria provided, single submitter. Criteria: Invitae Variant Classification Sherloc (09022015). Collection method: clinical testing. Allele origin: germline.
Comment: This sequence change replaces tyrosine, which is neutral and polar, with histidine, which is basic and polar, at codon 109 of the FANCF protein (p.Tyr109His). This variant is not present in population databases (gnomAD no frequency). This variant has not been reported in the literature in individuals affected with FANCF-related conditions. ClinVar contains an entry for this variant (Variation ID: 1464426). Invitae Evidence Modeling of protein sequence and biophysical properties (such as structural, functional, and spatial information, amino acid conservation, physicochemical variation, residue mobility, and thermodynamic stability) indicates that this missense variant is not expected to disrupt FANCF protein function with a negative predictive value of 80%. In summary, the available evidence is currently insufficient to determine the role of this variant in disease. Therefore, it has been classified as a Variant of Uncertain Significance.

NM_022725.4(FANCF):c.325T>C (p.Tyr109His)

Gene: FANCF (FA complementation group F; minus strand). Cytogenetic location: 11p14.3.
Variant type: single nucleotide variant.
Coding change: c.325T>C on transcript NM_022725.4 (MANE Select); coding-DNA position 325, T replaced by C.
Protein change: p.Tyr109His; replaces tyrosine 109 with histidine.
Molecular consequence: missense variant.
Genome position (GRCh38, 1-based): chr11:22,625,486, A>G on the plus strand (T>C on the coding strand, the complement: FANCF is on the minus strand). VCF-style: chr11-22625486-A-G. GRCh37 (hg19) VCF-style: chr11-22647032-A-G.
Other names: short protein forms Y109H.
Identifiers: ClinVar variation 1464426 (VCV001464426.8), dbSNP rs2133798077, ClinGen allele CA380059270.